The following is an entry in ClinVar:

NM_153676.4(USH1C):c.136dup (p.Leu46fs)

Gene: USH1C (USH1 protein network component harmonin; minus strand). Cytogenetic location: 11p15.1.
Variant type: Duplication.
Coding change: c.136dup on transcript NM_153676.4 (MANE Select); coding-DNA position 136, one base duplicated (C; older notation c.136dupC).
Protein change: p.Leu46fs; shifts the reading frame from leucine 46.
Molecular consequence: frameshift variant. On other transcripts: non-coding transcript variant (1).
Genome position (GRCh38, 1-based): chr11:17,531,511, G duplicated on the plus strand (C on the coding strand, the reverse complement: USH1C is on the minus strand); the first of 2 consecutive G bases (chr11:17,531,511-17,531,512); duplicating either gives the same sequence. VCF-style (leftmost placement, unchanged base first): chr11-17531510-A-AG. GRCh37 (hg19) VCF-style: chr11-17553057-A-AG.
Other names: c.136dup, p.Leu46fs (NM_001297764.2, NM_001440680.1, NM_001440681.1 and 5 more transcripts); c.169dup, p.Leu57fs (NM_001440679.1, NM_001440684.1, NM_001440686.1); short protein forms L46fs, L57fs.
Identifiers: ClinVar variation 5011816 (VCV005011816.1).
Genomic context (GRCh38, chr11:17,531,510, plus strand): 5'-ATCAGCGGCCGAATGGCATCAAACAGAGGCAGACGGCTGGGTTCATTGATGACCAGCTTC[A>AG]GGTCTCCCACGAGCACGGCCACGTCCATGGTCCTGTGGAGATGCCGGGAATGCCTGGAGC-3'

ClinVar aggregate classification (germline): Pathogenic (1 of 4 stars; one submission).

Conditions:
Usher syndrome type 1C. Also called: USHER SYNDROME, TYPE I, ACADIAN VARIETY. Identifiers: Orphanet 231169, Orphanet 886, MedGen C1848604, MONDO:0010171, OMIM 276904.

Submission:

Myriad Genetics, Inc.
Classification: Pathogenic for Usher syndrome type 1C. Last evaluated: 2023-09-27. Review status: criteria provided, single submitter. Criteria: Myriad Autosomal Dominant, Autosomal Recessive and X-Linked Classification Criteria (2023). Collection method: clinical testing. Allele origin: unknown.
Comment: NM_005709.3(USH1C):c.136dupC(L46Pfs*7) is expected to be pathogenic in the context of USH1C-related disorders. This variant is predicted to lead to an abnormal or absent protein product due to the creation of a premature termination codon in USH1C, a gene where loss-of-function variants are known to be pathogenic. Please note: this variant was assessed in the context of healthy population screening.